The following is an entry in ClinVar:

ClinVar aggregate classification (germline): Uncertain significance (1 of 4 stars; one submission).

gnomAD v4.1: 2 of 1,211,317 alleles (0.00017%); highest among the groups gnomAD compares: South Asian, 0.0018%; no homozygotes.

Submission:

Ambry Genetics
Classification: Uncertain significance. Last evaluated: 2026-01-14. Review status: criteria provided, single submitter. Criteria: Ambry Variant Classification Scheme 2023. Collection method: clinical testing. Allele origin: germline.
Comment: The c.373G>A (p.V125M) alteration is located in exon 4 (coding exon 2) of the TCEANC gene. This alteration results from a G to A substitution at nucleotide position 373, causing the valine (V) at amino acid position 125 to be replaced by a methionine (M). Based on data from gnomAD, the A allele has an overall frequency of 0.001% (1/178934) total alleles studied. The highest observed frequency was 0.005% (1/18781) of South Asian alleles. Based on insufficient or conflicting evidence, the clinical significance of this alteration remains unclear.

NM_001297563.2(TCEANC):c.283G>A (p.Val95Met)

Gene: TCEANC (transcription elongation factor A N-terminal and central domain containing; plus strand). Cytogenetic location: Xp22.2.
Variant type: single nucleotide variant.
Coding change: c.283G>A on transcript NM_001297563.2 (MANE Select); coding-DNA position 283, G replaced by A.
Protein change: p.Val95Met; replaces valine 95 with methionine.
Molecular consequence: missense variant.
Genome position (GRCh38, 1-based): chrX:13,662,791, G>A. VCF-style: chrX-13662791-G-A. GRCh37 (hg19) VCF-style: chrX-13680910-G-A.
Other names: c.283G>A, p.Val95Met (NM_001297564.2); c.373G>A, p.Val125Met (NM_152634.4); short protein forms V95M, V125M.
Identifiers: ClinVar variation 4839398 (VCV004839398.1).
Genomic context (GRCh38, chrX:13,662,791, plus strand): 5'-TGGAAAGCTGTTTATAAGCAGACTCACTCCAAAGCGAGGAACAGCCCTAAATTATTTCCT[G>A]TGAGGGGTAATAAAGAAGAAAATTCAGGACCTTCTCATGACCCAAGTCAGAATGAGACAC-3'
Protein context (NP_001284492.1, residues 85-105): KARNSPKLFP[Val95Met]RGNKEENSGP